The following is an entry in ClinVar:

ClinVar aggregate classification (germline): Pathogenic/Likely pathogenic. Review status: criteria provided, multiple submitters, no conflicts (2 of 4 stars). 4 submissions from 4 submitters: Pathogenic (1); Likely pathogenic (3). Last evaluated 2026-04-21.

Conditions:
Cystic fibrosis (CF). Also called: MUCOVISCIDOSIS. Identifiers: Orphanet 586, MedGen C0010674, MONDO:0009061, OMIM 219700. Disease mechanism: loss of function.
CFTR-related disorder (CFTR-RD). Also called: CFTR-related condition; CFTR-related disorders. Identifiers: MedGen C5924204, MONDO:7770004.
Bronchiectasis with or without elevated sweat chloride 1 (BESC1). Also called: Cystic Fibrosis-Like Syndrome. Identifiers: Orphanet 60033, MedGen C2749757, MONDO:0008887, OMIM 211400.
Hereditary pancreatitis (PCTT). Also called: Hereditary chronic pancreatitis; PRSS1-Related Hereditary Pancreatitis. Identifiers: Orphanet 676, MedGen C0238339, MONDO:0008185, OMIM 167800.
Congenital bilateral aplasia of vas deferens from CFTR mutation (CBAVD). Identifiers: Orphanet 48, MedGen C0403814, MONDO:0010178, OMIM 277180. Disease mechanism: loss of function.

Submissions (4):

Ambry Genetics
Classification: Likely pathogenic for Cystic fibrosis. Last evaluated: 2026-04-21. Review status: criteria provided, single submitter. Criteria: Ambry Variant Classification Scheme 2023. Collection method: clinical testing. Allele origin: germline.
Comment: The c.1210-2_1210-1delAG intronic variant begins 2 nucleotides before coding exon 10 in the CFTR gene. This variant results from a deletion of 2 nucleotides at positions c.1210-2 to c.1210-1. Variants that disrupt the canonical splice site are expected to result in aberrant splicing. In silico splice site analysis predicts that this alteration will weaken the native splice acceptor site. A resulting transcript is predicted to be in-frame and is not expected to trigger nonsense-mediated mRNA decay; although, direct evidence is unavailable. However, the region predicted to be impacted is critical for protein function (Ambry internal data). This variant is considered to be rare based on population cohorts in the Genome Aggregation Database (gnomAD). This nucleotide region is highly conserved in available vertebrate species. Based on the majority of available evidence to date, this variant is likely to be pathogenic.

Natera, Inc.
Classification: Pathogenic for CFTR-related disorders. Last evaluated: 2024-10-07. Review status: criteria provided, single submitter. Criteria: Natera Variant Classification Schema (03/2026). Collection method: clinical testing. Allele origin: germline.
Comment: The c.1210-2_1210-1delAG variant in CFTR is a canonical splice acceptor site variant predicted to affect pre-mRNA splicing, which may result in an abnormal transcript and altered protein product. This variant is expected to result in nonsense mediated decay, truncation, or a dysfunctional protein product. This variant is rare in the general population with a frequency below the threshold expected for the associated phenotype(s). This variant has been observed in one or more individuals affected with the associated recessive disease, as either homozygous or compound heterozygous with a second variant (PMID: 34782259). Another variant at this same site results in an alteration predicted to cause a similar molecular effect has been observed in individual(s) with the associated phenotype. Given the available evidence, this variant is classified as Pathogenic.

Fulgent Genetics
Classification: Likely pathogenic for Hereditary pancreatitis; Bronchiectasis with or without elevated sweat chloride 1; Cystic fibrosis; Congenital bilateral aplasia of vas deferens from CFTR mutation. Last evaluated: 2024-05-02. Review status: criteria provided, single submitter. Criteria: ACMG Guidelines, 2015. Collection method: clinical testing. Allele origin: germline.

Women's Health and Genetics/Laboratory Corporation of America, LabCorp
Classification: Likely pathogenic. Last evaluated: 2017-12-28. Review status: criteria provided, single submitter. Criteria: LabCorp Variant Classification Summary - May 2015. Collection method: clinical testing. Allele origin: germline.
Comment: Variant summary: The CFTR c.1210-2_1210-1delAG variant involves the deletion of two highly conserved intronic nucleotides that affects a consensus splicing acceptor site and 5/5 splice prediction tools predict a significant impact on normal splicing. However, these predictions have yet to be confirmed by functional studies. This variant is absent in 273222 control chromosomes (gnomAD). The variant has been reported in a patient with classic CF who carried delF508 on the opposite allele (Cutting 1992, Macek 1997). In addition, HGMD cites the variant as a "disease causing mutation." Taken together, this variant is classified as likely pathogenic.

Literature cited by the submitters: PubMed 1376017 (cited by Ambry Genetics and Women's Health and Genetics/Laboratory Corporation of America, LabCorp); PubMed 9150159 (cited by Ambry Genetics and Women's Health and Genetics/Laboratory Corporation of America, LabCorp); PubMed 34782259 (cited by Natera, Inc.).

NM_000492.4(CFTR):c.1210-2_1210-1del

Genes: CFTR (CF transmembrane conductance regulator; plus strand), CFTR-AS1 (CFTR antisense RNA 1; minus strand). Cytogenetic location: 7q31.2.
Variant type: Deletion.
Coding change: c.1210-2_1210-1del on transcript NM_000492.4 (MANE Select); the canonical splice acceptor site of the intron before coding-DNA position 1210, 2 bases deleted (AG; older notation c.1210-2_1210-1delAG).
Molecular consequence: splice acceptor variant.
Genome position (GRCh38, 1-based): chr7:117,548,639-117,548,640, AG deleted. VCF-style (leftmost placement, unchanged base first): chr7-117548638-CAG-C. GRCh37 (hg19) VCF-style: chr7-117188692-CAG-C.
Other names: c.1210-2_1210-1delAG (NM_000492.3).
Identifiers: ClinVar variation 633167 (VCV000633167.7), dbSNP rs1562894926, ClinGen allele CA913189996.